The following is an entry in ClinVar:

ClinVar aggregate classification (germline): Uncertain significance (1 of 4 stars; one submission).

Conditions:
Deafness-lymphedema-leukemia syndrome. Also called: Emberger syndrome; Lymphedema, primary, with myelodysplasia. Identifiers: Orphanet 3226, MedGen C3279664, MONDO:0013540, OMIM 614038.
Monocytopenia with susceptibility to infections. Also called: IMMUNODEFICIENCY 21; GATA2 DEFICIENCY; MONOCYTOPENIA AND MYCOBACTERIAL INFECTION SYNDROME; MONOCYTOPENIA WITH SUSCEPTIBILITY TO MYCOBACTERIAL, FUNGAL, AND PAPILLOMAVIRUS INFECTIONS AND MYELODYSPLASIA; COMBINED IMMUNODEFICIENCY WITH SUSCEPTIBILITY TO MYCOBACTERIAL, VIRAL, AND FUNGAL INFECTIONS; Dendritic cell, monocyte, B lymphocyte, and natural killer lymphocyte deficiency. Identifiers: Orphanet 228423, MedGen C3280030, MONDO:0013607, OMIM 614172.

gnomAD v4.1: 1 of 1,614,134 alleles (0.000062%); highest among the groups gnomAD compares: South Asian, 0.0011%; no homozygotes.

Submission:

Labcorp Genetics (formerly Invitae), Labcorp
Classification: Uncertain significance for Monocytopenia with susceptibility to infections; Deafness-lymphedema-leukemia syndrome. Last evaluated: 2022-10-05. Review status: criteria provided, single submitter. Criteria: Invitae Variant Classification Sherloc (09022015). Collection method: clinical testing. Allele origin: germline.
Comment: ClinVar contains an entry for this variant (Variation ID: 1038904). Advanced modeling of protein sequence and biophysical properties (such as structural, functional, and spatial information, amino acid conservation, physicochemical variation, residue mobility, and thermodynamic stability) has been performed at Invitae for this missense variant, however the output from this modeling did not meet the statistical confidence thresholds required to predict the impact of this variant on GATA2 protein function. In summary, the available evidence is currently insufficient to determine the role of this variant in disease. Therefore, it has been classified as a Variant of Uncertain Significance. This variant has not been reported in the literature in individuals affected with GATA2-related conditions. This sequence change replaces arginine, which is basic and polar, with glycine, which is neutral and non-polar, at codon 337 of the GATA2 protein (p.Arg337Gly). This variant is not present in population databases (gnomAD no frequency).

NM_032638.5(GATA2):c.1009C>G (p.Arg337Gly)

Gene: GATA2 (GATA binding protein 2; minus strand). Cytogenetic location: 3q21.3.
Variant type: single nucleotide variant.
Coding change: c.1009C>G on transcript NM_032638.5 (MANE Select); coding-DNA position 1009, C replaced by G.
Protein change: p.Arg337Gly; replaces arginine 337 with glycine.
Molecular consequence: missense variant.
Genome position (GRCh38, 1-based): chr3:128,483,868, G>C on the plus strand (C>G on the coding strand, the complement: GATA2 is on the minus strand). VCF-style: chr3-128483868-G-C. GRCh37 (hg19) VCF-style: chr3-128202711-G-C.
Other names: c.1009C>G, p.Arg337Gly (NM_001145661.2, NM_001145662.1); short protein forms R337G.
Identifiers: ClinVar variation 1038904 (VCV001038904.8), dbSNP rs387906632, ClinGen allele CA354404247.